The following is an entry in ClinVar:

NM_004586.3(RPS6KA3):c.731_739delinsT (p.Gly244fs)

Gene: RPS6KA3 (ribosomal protein S6 kinase A3; minus strand). Cytogenetic location: Xp22.12.
Variant type: Indel.
Coding change: c.731_739delinsT on transcript NM_004586.3 (MANE Select); coding-DNA positions 731 to 739, GTCATACTC replaced by T.
Protein change: p.Gly244fs; shifts the reading frame from glycine 244.
Molecular consequence: frameshift variant.
Genome position (GRCh38, 1-based): chrX:20,187,863-20,187,871, GAGTATGAC replaced by A on the plus strand (GTCATACTC replaced by T on the coding strand, the reverse complement: RPS6KA3 is on the minus strand). VCF-style: chrX-20187863-GAGTATGAC-A. GRCh37 (hg19) VCF-style: chrX-20205981-GAGTATGAC-A.
Other names: short protein forms G244fs.
Identifiers: ClinVar variation 3315319 (VCV003315319.1).
Genomic context (GRCh38, chrX:20,187,863, plus strand): 5'-AAAAAATCCCAAATTCAAACCTTACCATTAACACACCAAAAGACCACCAGTCAGCACTCT[GAGTATGAC>A]CTCGACGATTAACTACTTCTGGAGCCATATACTCCACAGTTCCACAAAAAGAATATGCCT-3'

ClinVar aggregate classification (germline): Pathogenic (1 of 4 stars; one submission).

Conditions:
Inborn genetic diseases. Identifiers: MedGen C0950123, MeSH D030342.

Submission:

Ambry Genetics
Classification: Pathogenic for Inborn genetic diseases. Last evaluated: 2024-05-28. Review status: criteria provided, single submitter. Criteria: Ambry Variant Classification Scheme 2023. Collection method: clinical testing. Allele origin: germline.
Comment: The c.731_739delGTCATACTCinsT (p.G244Vfs*4) alteration, located in exon 9 (coding exon 9) of the RPS6KA3 gene, consists of a deletion of 9 and insertion of 1 nucleotides causing a translational frameshift at position 731 with a predicted alternate stop codon after 4 amino acids. This alteration is expected to result in loss of function by premature protein truncation or nonsense-mediated mRNA decay. This variant was not reported in population-based cohorts in the Genome Aggregation Database (gnomAD). Based on the available evidence, this alteration is classified as pathogenic.